The following is an entry in ClinVar:

ClinVar aggregate classification (germline): Conflicting classifications of pathogenicity. Review status: criteria provided, conflicting classifications (1 of 4 stars). 2 submissions from 2 submitters: Uncertain significance (1); Likely benign (1). Last evaluated 2025-02-06.

Conditions:
Hereditary cancer-predisposing syndrome. Also called: Neoplastic Syndromes, Hereditary; Tumor predisposition; Hereditary Cancer Syndrome; Hereditary neoplastic syndrome. Identifiers: Orphanet 140162, MedGen C0027672, MeSH D009386, MONDO:0015356.

gnomAD v4.1: 1 of 1,614,166 alleles (0.000062%); highest among the groups gnomAD compares: Non-Finnish European, 0.000085%; no homozygotes.

Submissions (2):

GeneDx
Classification: Uncertain significance. Last evaluated: 2025-02-06. Review status: criteria provided, single submitter. Criteria: GeneDx Variant Classification Process June 2021. Collection method: clinical testing. Allele origin: germline. Affected: yes.
Comment: Not observed at significant frequency in large population cohorts (gnomAD); In silico analysis indicates that this variant does not alter splicing; Has not been previously published as pathogenic or benign to our knowledge

Ambry Genetics
Classification: Likely benign for Hereditary cancer-predisposing syndrome. Last evaluated: 2019-08-23. Review status: criteria provided, single submitter. Criteria: Ambry Variant Classification Scheme 2023. Collection method: clinical testing. Allele origin: germline.

NM_001048174.2(MUTYH):c.591T>G (p.Ser197=)

Gene: MUTYH (mutY DNA glycosylase; minus strand). Cytogenetic location: 1p34.1.
Variant type: single nucleotide variant.
Coding change: c.591T>G on transcript NM_001048174.2 (MANE Select); coding-DNA position 591, T replaced by G.
Protein change: p.Ser197=; no amino-acid change (serine 197 retained).
Molecular consequence: synonymous variant. On other transcripts: non-coding transcript variant (7).
Genome position (GRCh38, 1-based): chr1:45,332,589, A>C on the plus strand (T>G on the coding strand, the complement: MUTYH is on the minus strand). VCF-style: chr1-45332589-A-C. GRCh37 (hg19) VCF-style: chr1-45798261-A-C.
Other names: c.591T>G, p.Ser197= (NM_001048171.2, NM_001048173.2, NM_001293195.2 and 6 more transcripts); c.594T>G, p.Ser198= (NM_001048172.2, NM_001407071.1, NM_001407078.1 and 1 more transcripts); c.675T>G, p.Ser225= (NM_001128425.2); c.636T>G, p.Ser212= (NM_001293190.2); c.624T>G, p.Ser208= (NM_001293191.2, NM_001407069.1, NM_001407077.1); c.315T>G, p.Ser105= (NM_001293192.2, NM_001293196.2, NM_001407091.1); c.246T>G, p.Ser82= (NM_001350650.2, NM_001350651.2, NM_001407082.1); c.507T>G, p.Ser169= (NM_001407075.1); and 5 more.
Identifiers: ClinVar variation 1755308 (VCV001755308.3), dbSNP rs1645132367, ClinGen allele CA417880008.